The following is an entry in ClinVar:

NM_000553.6(WRN):c.3523C>T (p.Pro1175Ser)

Gene: WRN (WRN RecQ like helicase; plus strand). Cytogenetic location: 8p12.
Variant type: single nucleotide variant.
Coding change: c.3523C>T on transcript NM_000553.6 (MANE Select); coding-DNA position 3523, C replaced by T.
Protein change: p.Pro1175Ser; replaces proline 1175 with serine.
Molecular consequence: missense variant.
Genome position (GRCh38, 1-based): chr8:31,147,427, C>T. VCF-style: chr8-31147427-C-T. GRCh37 (hg19) VCF-style: chr8-31004943-C-T.
Other names: short protein forms P1175S.
Identifiers: ClinVar variation 566793 (VCV000566793.5), dbSNP rs768430448, ClinGen allele CA370925889.

ClinVar aggregate classification (germline): Uncertain significance (1 of 4 stars; one submission).

Conditions:
Werner syndrome (WRN). Identifiers: Orphanet 902, MedGen C0043119, MONDO:0010196, OMIM 277700.

Submission:

Labcorp Genetics (formerly Invitae), Labcorp
Classification: Uncertain significance for Werner syndrome. Last evaluated: 2021-11-26. Review status: criteria provided, single submitter. Criteria: Invitae Variant Classification Sherloc (09022015). Collection method: clinical testing. Allele origin: germline.
Comment: This sequence change replaces proline, which is neutral and non-polar, with serine, which is neutral and polar, at codon 1175 of the WRN protein (p.Pro1175Ser). This variant is not present in population databases (gnomAD no frequency). This variant has not been reported in the literature in individuals affected with WRN-related conditions. ClinVar contains an entry for this variant (Variation ID: 566793). Algorithms developed to predict the effect of missense changes on protein structure and function are either unavailable or do not agree on the potential impact of this missense change (SIFT: "Not Available"; PolyPhen-2: "Probably Damaging"; Align-GVGD: "Not Available"). In summary, the available evidence is currently insufficient to determine the role of this variant in disease. Therefore, it has been classified as a Variant of Uncertain Significance.